The following is an entry in ClinVar:

ClinVar aggregate classification (germline): Uncertain significance (1 of 4 stars; one submission).

Submission:

Labcorp Genetics (formerly Invitae), Labcorp
Classification: Uncertain significance. Last evaluated: 2022-03-18. Review status: criteria provided, single submitter. Criteria: Invitae Variant Classification Sherloc (09022015). Collection method: clinical testing. Allele origin: germline.
Comment: This sequence change replaces arginine, which is basic and polar, with glycine, which is neutral and non-polar, at codon 105 of the DNAH9 protein (p.Arg105Gly). This variant is not present in population databases (gnomAD no frequency). This variant has not been reported in the literature in individuals affected with DNAH9-related conditions. Algorithms developed to predict the effect of missense changes on protein structure and function are either unavailable or do not agree on the potential impact of this missense change (SIFT: "Deleterious"; PolyPhen-2: "Benign"; Align-GVGD: "Class C0"). In summary, the available evidence is currently insufficient to determine the role of this variant in disease. Therefore, it has been classified as a Variant of Uncertain Significance.

NM_001372.4(DNAH9):c.313C>G (p.Arg105Gly)

Gene: DNAH9 (dynein axonemal heavy chain 9; plus strand). Cytogenetic location: 17p12.
Variant type: single nucleotide variant.
Coding change: c.313C>G on transcript NM_001372.4 (MANE Select); coding-DNA position 313, C replaced by G.
Protein change: p.Arg105Gly; replaces arginine 105 with glycine.
Molecular consequence: missense variant.
Genome position (GRCh38, 1-based): chr17:11,598,811, C>G. VCF-style: chr17-11598811-C-G. GRCh37 (hg19) VCF-style: chr17-11502128-C-G.
Other names: short protein forms R105G.
Identifiers: ClinVar variation 2113389 (VCV002113389.4), dbSNP rs2544176305, ClinGen allele CA398154533.
Genomic context (GRCh38, chr17:11,598,811, plus strand): 5'-CCCGGGCTGGAGGTGGGACCTGAGTCGGGCCTGGCTGGCGCTAAGGCGCTTTTTTTCCTT[C>G]GCACCGGGCCCGAGCCTCCAGGGCCCGACAGCTTCCGCGGCGCAGTGGTCTGCGGGGACC-3'
Protein context (NP_001363.2, residues 95-115): LAGAKALFFL[Arg105Gly]TGPEPPGPDS